The following is an entry in ClinVar:

ClinVar aggregate classification (germline): Uncertain significance (1 of 4 stars; one submission).

Conditions:
Inborn genetic diseases. Identifiers: MedGen C0950123, MeSH D030342.

Submission:

Ambry Genetics
Classification: Uncertain significance for Inborn genetic diseases. Last evaluated: 2025-10-26. Review status: criteria provided, single submitter. Criteria: Ambry Variant Classification Scheme 2023. Collection method: clinical testing. Allele origin: germline.
Comment: The p.D904A variant (also known as c.2711A>C), located in coding exon 14 of the FANCM gene, results from an A to C substitution at nucleotide position 2711. The aspartic acid at codon 904 is replaced by alanine, an amino acid with dissimilar properties. This amino acid position is conserved. In addition, this alteration is predicted to be tolerated by in silico analysis. Based on the available evidence, the clinical significance of this variant remains unclear.

NM_020937.4(FANCM):c.2711A>C (p.Asp904Ala)

Gene: FANCM (FA complementation group M; plus strand). Cytogenetic location: 14q21.2.
Variant type: single nucleotide variant.
Coding change: c.2711A>C on transcript NM_020937.4 (MANE Select); coding-DNA position 2711, A replaced by C.
Protein change: p.Asp904Ala; replaces aspartic acid 904 with alanine.
Molecular consequence: missense variant.
Genome position (GRCh38, 1-based): chr14:45,175,465, A>C. VCF-style: chr14-45175465-A-C. GRCh37 (hg19) VCF-style: chr14-45644668-A-C.
Other names: c.2633A>C, p.Asp878Ala (NM_001308133.2); short protein forms D904A, D878A.
Identifiers: ClinVar variation 4619525 (VCV004619525.1).
Genomic context (GRCh38, chr14:45,175,465, plus strand): 5'-CCACTGTTGAAAATATTTTTCAAGAAGACCTACCAAATGATAAAAGGACATCAGATACAG[A>C]TGAAATTGCTGCCACATGTACTATTAATGAAAATGTTATTAAAGAACCGTGTGTGTTATT-3'
Protein context (NP_065988.1, residues 894-914): LPNDKRTSDT[Asp904Ala]EIAATCTINE